The following is an entry in ClinVar:

NM_005159.5(ACTC1):c.991-10C>A

Genes: ACTC1 (actin alpha cardiac muscle 1; minus strand), GJD2-DT (GJD2 divergent transcript; plus strand). Cytogenetic location: 15q14.
Variant type: single nucleotide variant.
Coding change: c.991-10C>A on transcript NM_005159.5 (MANE Select); 10 bases into the intron before coding-DNA position 991, C replaced by A.
Molecular consequence: intron variant.
Genome position (GRCh38, 1-based): chr15:34,790,565, G>T on the plus strand (C>A on the coding strand, the complement: ACTC1 is on the minus strand). VCF-style: chr15-34790565-G-T. GRCh37 (hg19) VCF-style: chr15-35082766-G-T.
Other names: c.991-10C>A (NM_001406483.1, NM_001406482.1); c.550-10C>A (NM_001406485.1); c.856-10C>A (NM_001406484.1).
Identifiers: ClinVar variation 3070082 (VCV003070082.1), dbSNP rs1298992263, ClinGen allele CA2627662033.
Genomic context (GRCh38, chr15:34,790,565, plus strand): 5'-GATGGAGCCCCCAATCCAGACAGAGTATTTACGCTCAGGGGGAGCAATAATCTGCAGAAA[G>T]AAAACAAAAACTTCCAGTGAACTCTGAAGTTCCAAGCAAGGGAGCAAATAACACATTGGG-3'

ClinVar aggregate classification (germline): Uncertain significance (1 of 4 stars; one submission).

Conditions:
Hypertrophic cardiomyopathy. Also called: HYPERTROPHIC MYOCARDIOPATHY. Identifiers: Orphanet 217569, MedGen C0007194, MeSH D002312, MONDO:0005045, HP:0001639.

Submission:

All of Us Research Program, National Institutes of Health
Classification: Uncertain significance for Hypertrophic cardiomyopathy. Last evaluated: 2023-04-03. Review status: criteria provided, single submitter. Criteria: ACMG Guidelines, 2015. Collection method: clinical testing. Allele origin: germline. Inheritance: Autosomal dominant inheritance. Observed: 1 variant allele, 1 heterozygote.
Comment: This variant causes a C to A nucleotide substitution at the -10 position of intron 6 of the ACTC1 gene. To our knowledge, functional studies have not been reported for this variant. This variant has not been reported in individuals affected with ACTC1-related disorders in the literature. This variant has not been identified in the general population by the Genome Aggregation Database (gnomAD). The available evidence is insufficient to determine the role of this variant in disease conclusively. Therefore, this variant is classified as a Variant of Uncertain Significance.

This study involves interpretation of variants in research participants for the purpose of population health screening. Participant phenotype was not available at the time of variant classification. Additional details can be found in publication PMID: 35346344, PMCID: PMC8962531